The following is an entry in ClinVar:

NM_002742.3(PRKD1):c.20T>C (p.Leu7Pro)

Gene: PRKD1 (protein kinase D1; minus strand). Cytogenetic location: 14q12.
Variant type: single nucleotide variant.
Coding change: c.20T>C on transcript NM_002742.3 (MANE Select); coding-DNA position 20, T replaced by C.
Protein change: p.Leu7Pro; replaces leucine 7 with proline.
Molecular consequence: missense variant.
Genome position (GRCh38, 1-based): chr14:29,927,493, A>G on the plus strand (T>C on the coding strand, the complement: PRKD1 is on the minus strand). VCF-style: chr14-29927493-A-G. GRCh37 (hg19) VCF-style: chr14-30396699-A-G.
Other names: c.20T>C, p.Leu7Pro (NM_001330069.2); short protein forms L7P.
Identifiers: ClinVar variation 789329 (VCV000789329.33), dbSNP rs572057574, ClinGen allele CA258529131.

ClinVar aggregate classification (germline): Likely benign. Review status: criteria provided, multiple submitters, no conflicts (2 of 4 stars). 4 submissions from 4 submitters: Likely benign (4). Last evaluated 2026-08-01.

Allele frequency attached by ClinVar (database versions not stated): 1000 Genomes Project 0.00300; 1000 Genomes Project 30x 0.00422; gnomAD 0.00576 and 0.00584; TOPMed 0.00628; gnomAD exomes 0.00792 and 0.00889.
gnomAD v4.1: 10,261 of 1,215,328 alleles (0.84%); highest among the groups gnomAD compares: Non-Finnish European, 0.98%; 53 homozygotes.

Submissions (4):

CeGaT Center for Human Genetics Tuebingen
Classification: Likely benign. Last evaluated: 2026-08-01. Review status: criteria provided, single submitter. Criteria: CeGaT Center For Human Genetics Tuebingen Variant Classification Criteria Version 2. Collection method: clinical testing. Allele origin: germline. Affected: yes. Observed: 18 variant alleles.
Comment: PRKD1: BS2

Blueprint Genetics
Classification: Likely benign. Last evaluated: 2024-11-26. Review status: criteria provided, single submitter. Criteria: ACMG Guidelines, 2015. Collection method: clinical testing. Allele origin: germline.

Labcorp Genetics (formerly Invitae), Labcorp
Classification: Likely benign. Last evaluated: 2019-12-31. Review status: criteria provided, single submitter. Criteria: Invitae Variant Classification Sherloc (09022015). Collection method: clinical testing. Allele origin: germline.

Breakthrough Genomics
Classification: Likely benign. Review status: criteria provided, single submitter. Criteria: ACMG Guidelines, 2015. Collection method: not provided. Allele origin: germline. Inheritance: Autosomal dominant inheritance. Affected: yes.